The following is an entry in ClinVar:

NM_000497.4(CYP11B1):c.399T>A (p.Asn133Lys)

Genes: CYP11B1 (cytochrome P450 family 11 subfamily B member 1; minus strand), LOC106799833 (CYP11B1 recombination region; plus strand). Cytogenetic location: 8q24.3.
Variant type: single nucleotide variant.
Coding change: c.399T>A on transcript NM_000497.4 (MANE Select); coding-DNA position 399, T replaced by A.
Protein change: p.Asn133Lys; replaces asparagine 133 with lysine.
Molecular consequence: missense variant.
Genome position (GRCh38, 1-based): chr8:142,877,219, A>T on the plus strand (T>A on the coding strand, the complement: CYP11B1 is on the minus strand). VCF-style: chr8-142877219-A-T. GRCh37 (hg19) VCF-style: chr8-143958635-A-T.
Other names: c.399T>A, p.Asn133Lys (NM_001026213.1); short protein forms N133K.
Identifiers: ClinVar variation 2674653 (VCV002674653.3), dbSNP rs144289742, ClinGen allele CA4905448.
Genomic context (GRCh38, chr8:142,877,219, plus strand): 5'-AGCGTTGGGCGACAGCACTTCTGGATTCAGCCGCAATCGGTTGAAGCGCCATTCAGGCCC[A>T]TTCCTACAGAGGCCAGGGCAGAGCTTGTGAGGCCGCCCCAGCAAGACACAGGCCCTGACC-3'
Protein context (NP_000488.3, residues 123-143): RGHKCGVFLL[Asn133Lys]GPEWRFNRLR

ClinVar aggregate classification (germline): Uncertain significance. Review status: criteria provided, multiple submitters, no conflicts (2 of 4 stars). 3 submissions from 3 submitters: Uncertain significance (3). Last evaluated 2024-05-23.

Conditions:
Deficiency of steroid 11-beta-monooxygenase (CYP11B1). Also called: ADRENAL HYPERPLASIA, CONGENITAL, DUE TO STEROID 11-BETA-HYDROXYLASE DEFICIENCY; P450C11B1 DEFICIENCY; STEROID 11-BETA-HYDROXYLASE DEFICIENCY; ADRENAL HYPERPLASIA IV; Congenital adrenal hyperplasia due to 11-beta-hydroxylase deficiency; 11-BETA-HYDROXYLASE DEFICIENCY. Identifiers: Orphanet 90795, MedGen C0268292, MONDO:0008729, OMIM 202010. Disease mechanism: loss of function.
Glucocorticoid-remediable aldosteronism. Also called: ALDOSTERONISM, SENSITIVE TO DEXAMETHASONE; Hyperaldosteronism, familial, type I; ACTH-DEPENDENT HYPERALDOSTERONISM SYNDROME; FH I; GLUCOCORTICOID-SUPPRESSIBLE HYPERALDOSTERONISM. Identifiers: Orphanet 403, MedGen C3838731, MONDO:0007080, OMIM 103900.
Inborn genetic diseases. Identifiers: MedGen C0950123, MeSH D030342.

gnomAD v4.1: 78 of 1,611,992 alleles (0.0048%); highest among the groups gnomAD compares: Non-Finnish European, 0.0059%; no homozygotes.

Submissions (3):

Fulgent Genetics
Classification: Uncertain significance for Glucocorticoid-remediable aldosteronism; Deficiency of steroid 11-beta-monooxygenase. Last evaluated: 2024-05-23. Review status: criteria provided, single submitter. Criteria: ACMG Guidelines, 2015. Collection method: clinical testing. Allele origin: germline.

Ambry Genetics
Classification: Uncertain significance for Inborn genetic diseases. Last evaluated: 2023-12-19. Review status: criteria provided, single submitter. Criteria: Ambry Variant Classification Scheme 2023. Collection method: clinical testing. Allele origin: germline.

Clinical Biochemistry Laboratory, Health Services Laboratory
Classification: Uncertain significance for Deficiency of steroid 11-beta-monooxygenase. Last evaluated: 2023-11-20. Review status: criteria provided, single submitter. Criteria: ACMG Guidelines, 2015. Collection method: clinical testing. Allele origin: germline. Affected: yes.
Comment: ACMG:PM1 PM2 BP4